The following is an entry in ClinVar:

ClinVar aggregate classification (germline): Uncertain significance (1 of 4 stars; one submission).

Submission:

Labcorp Genetics (formerly Invitae), Labcorp
Classification: Uncertain significance. Last evaluated: 2024-10-24. Review status: criteria provided, single submitter. Criteria: Invitae Variant Classification Sherloc (09022015). Collection method: clinical testing. Allele origin: germline.
Comment: This sequence change replaces proline, which is neutral and non-polar, with leucine, which is neutral and non-polar, at codon 535 of the CACNA1G protein (p.Pro535Leu). This variant is not present in population databases (gnomAD no frequency). This variant has not been reported in the literature in individuals affected with CACNA1G-related conditions. Invitae Evidence Modeling of protein sequence and biophysical properties (such as structural, functional, and spatial information, amino acid conservation, physicochemical variation, residue mobility, and thermodynamic stability) indicates that this missense variant is not expected to disrupt CACNA1G protein function with a negative predictive value of 95%. In summary, the available evidence is currently insufficient to determine the role of this variant in disease. Therefore, it has been classified as a Variant of Uncertain Significance.

NM_018896.5(CACNA1G):c.1604C>T (p.Pro535Leu)

Gene: CACNA1G (calcium voltage-gated channel subunit alpha1 G; plus strand). Cytogenetic location: 17q21.33.
Variant type: single nucleotide variant.
Coding change: c.1604C>T on transcript NM_018896.5 (MANE Select); coding-DNA position 1604, C replaced by T.
Protein change: p.Pro535Leu; replaces proline 535 with leucine.
Molecular consequence: missense variant. On other transcripts: non-coding transcript variant (5).
Genome position (GRCh38, 1-based): chr17:50,576,006, C>T. VCF-style: chr17-50576006-C-T. GRCh37 (hg19) VCF-style: chr17-48653367-C-T.
Other names: c.1604C>T, p.Pro535Leu (NM_001256324.2, NM_001256325.2, NM_001256326.2 and 24 more transcripts); short protein forms P535L.
Identifiers: ClinVar variation 2779941 (VCV002779941.3), dbSNP rs2544868275, ClinGen allele CA400238092.